The following is an entry in ClinVar:

ClinVar aggregate classification (germline): Uncertain significance. Review status: criteria provided, multiple submitters, no conflicts (2 of 4 stars). 2 submissions from 2 submitters: Uncertain significance (2). Last evaluated 2025-04-07.

Conditions:
Inborn genetic diseases. Identifiers: MedGen C0950123, MeSH D030342.

gnomAD v4.1: 1 of 1,611,868 alleles (0.000062%); no homozygotes.

Submissions (2):

Labcorp Genetics (formerly Invitae), Labcorp
Classification: Uncertain significance. Last evaluated: 2025-04-07. Review status: criteria provided, single submitter. Criteria: Invitae Variant Classification Sherloc (09022015). Collection method: clinical testing. Allele origin: germline.
Comment: This sequence change replaces serine, which is neutral and polar, with arginine, which is basic and polar, at codon 784 of the TNNI3K protein (p.Ser784Arg). This variant is not present in population databases (gnomAD no frequency). This variant has not been reported in the literature in individuals affected with TNNI3K-related conditions. ClinVar contains an entry for this variant (Variation ID: 3459422). An algorithm developed to predict the effect of missense changes on protein structure and function (PolyPhen-2) suggests that this variant is likely to be tolerated. In summary, the available evidence is currently insufficient to determine the role of this variant in disease. Therefore, it has been classified as a Variant of Uncertain Significance.

Ambry Genetics
Classification: Uncertain significance for Inborn genetic diseases. Last evaluated: 2024-11-10. Review status: criteria provided, single submitter. Criteria: Ambry Variant Classification Scheme 2023. Collection method: clinical testing. Allele origin: germline.

NM_015978.3(TNNI3K):c.2352T>G (p.Ser784Arg)

Genes: FPGT-TNNI3K (FPGT-TNNI3K readthrough; plus strand), TNNI3K (TNNI3 interacting kinase; plus strand). Cytogenetic location: 1p31.1.
Variant type: single nucleotide variant.
Coding change: c.2352T>G on transcript NM_015978.3 (MANE Select); coding-DNA position 2352, T replaced by G.
Protein change: p.Ser784Arg; replaces serine 784 with arginine.
Molecular consequence: missense variant.
Genome position (GRCh38, 1-based): chr1:74,540,234, T>G. VCF-style: chr1-74540234-T-G. GRCh37 (hg19) VCF-style: chr1-75005918-T-G.
Other names: c.2655T>G, p.Ser885Arg (NM_001112808.3); short protein forms S784R, S885R.
Identifiers: ClinVar variation 3459422 (VCV003459422.2).